The following is an entry in ClinVar:

NM_000213.5(ITGB4):c.3794-9C>T

Genes: GALK1 (galactokinase 1; minus strand), ITGB4 (integrin subunit beta 4; plus strand). Cytogenetic location: 17q25.1.
Variant type: single nucleotide variant.
Coding change: c.3794-9C>T on transcript NM_000213.5 (MANE Select); 9 bases into the intron before coding-DNA position 3794, C replaced by T.
Molecular consequence: intron variant.
Genome position (GRCh38, 1-based): chr17:75,752,165, C>T. VCF-style: chr17-75752165-C-T. GRCh37 (hg19) VCF-style: chr17-73748246-C-T.
Other names: c.3794-9C>T (NM_001005619.2, NM_001005731.3, NM_001438834.1 and 1 more transcripts); c.*23-428G>A (NM_001381985.1).
Identifiers: ClinVar variation 891167 (VCV000891167.12), dbSNP rs369461189, ClinGen allele CA8769947.
Genomic context (GRCh38, chr17:75,752,165, plus strand): 5'-TGTGTCAGGGGTGGTGTTGGGACCAGGCTGGGACCTGGGTGACCCTCTGAAGCACTCTCT[C>T]TGCCCCAGGACCTATTGGGCCCATGAAGAAAGTGCTGGTTGACAACCCTAAGAACCGGAT-3'

ClinVar aggregate classification (germline): Conflicting classifications of pathogenicity. Review status: criteria provided, conflicting classifications (1 of 4 stars). 3 submissions from 3 submitters: Uncertain significance (1); Likely benign (1). 1 of the submissions does not count toward it. Last evaluated 2026-01-25.

Conditions:
ITGB4-related disorder. Also called: ITGB4-related condition.
Junctional epidermolysis bullosa with pyloric atresia. Also called: Junctional Epidermolysis Bullosa- Pyloric Atresia Syndrome; EPIDERMOLYSIS BULLOSA, JUNCTIONAL 5B, WITH PYLORIC ATRESIA; Epidermolysis bullosa, junctional, with pyloric atresia and aplasia cutis congenita; Epidermolysis bullosa junctionalis with pyloric atresia; APLASIA CUTIS CONGENITA WITH GASTROINTESTINAL ATRESIA; CARMI SYNDROME. Identifiers: Orphanet 79403, MedGen C5676875, MONDO:0009183, OMIM 226730.

Allele frequency attached by ClinVar (database versions not stated): TOPMed 0.00009; gnomAD 0.00013 and 0.00014; ExAC 0.00006; ESP Exome Variant Server 0.00008; gnomAD exomes 0.00012 and 0.00004.
gnomAD v4.1: 199 of 1,613,778 alleles (0.012%); highest among the groups gnomAD compares: Non-Finnish European, 0.016%; no homozygotes.

Submissions (3):

Labcorp Genetics (formerly Invitae), Labcorp
Classification: Likely benign. Last evaluated: 2026-01-25. Review status: criteria provided, single submitter. Criteria: Invitae Variant Classification Sherloc (09022015). Collection method: clinical testing. Allele origin: germline.

Illumina Laboratory Services, Illumina
Classification: Uncertain significance for Junctional epidermolysis bullosa with pyloric atresia. Last evaluated: 2018-01-12. Review status: criteria provided, single submitter. Criteria: ICSL Variant Classification Criteria 13 December 2019. Collection method: clinical testing. Allele origin: germline.

PreventionGenetics, part of Exact Sciences
Classification: Likely benign for ITGB4-related condition. Last evaluated: 2022-12-19. Review status: no assertion criteria provided. Collection method: clinical testing. Allele origin: germline. Not counted in ClinVar's aggregate classification.
Comment: This variant is classified as likely benign based on ACMG/AMP sequence variant interpretation guidelines (Richards et al. 2015 PMID: 25741868, with internal and published modifications).